The following is an entry in ClinVar:

ClinVar aggregate classification (germline): Likely benign. Review status: criteria provided, single submitter (1 of 4 stars). 2 submissions from 2 submitters: Likely benign (1). 1 of the submissions does not count toward it. Last evaluated 2024-01-27.

Conditions:
OTOF-related disorder. Also called: OTOF-related condition.

Allele frequency attached by ClinVar (database versions not stated): gnomAD exomes 0.00001.
gnomAD v4.1: 8 of 1,610,792 alleles (0.0005%); highest among the groups gnomAD compares: Non-Finnish European, 0.00068%; no homozygotes.

Submissions (2):

Labcorp Genetics (formerly Invitae), Labcorp
Classification: Likely benign. Last evaluated: 2024-01-27. Review status: criteria provided, single submitter. Criteria: Invitae Variant Classification Sherloc (09022015). Collection method: clinical testing. Allele origin: germline.

PreventionGenetics, part of Exact Sciences
Classification: Likely benign for OTOF-related condition. Last evaluated: 2021-05-13. Review status: no assertion criteria provided. Collection method: clinical testing. Allele origin: germline. Not counted in ClinVar's aggregate classification.
Comment: This variant is classified as likely benign based on ACMG/AMP sequence variant interpretation guidelines (Richards et al. 2015 PMID: 25741868, with internal and published modifications).

NM_194248.3(OTOF):c.2505G>A (p.Leu835=)

Gene: OTOF (otoferlin; minus strand). Cytogenetic location: 2p23.3.
Variant type: single nucleotide variant.
Coding change: c.2505G>A on transcript NM_194248.3 (MANE Select); coding-DNA position 2505, G replaced by A.
Protein change: p.Leu835=; no amino-acid change (leucine 835 retained).
Molecular consequence: synonymous variant.
Genome position (GRCh38, 1-based): chr2:26,477,190, C>T on the plus strand (G>A on the coding strand, the complement: OTOF is on the minus strand). VCF-style: chr2-26477190-C-T. GRCh37 (hg19) VCF-style: chr2-26700058-C-T.
Other names: c.2505G>A (NM_194248.2); c.2505G>A, p.Leu835= (NM_001287489.2); c.264G>A, p.Leu88= (NM_004802.4, NM_194323.3); c.435G>A, p.Leu145= (NM_194322.3).
Identifiers: ClinVar variation 2894617 (VCV002894617.5), dbSNP rs1255996872, ClinGen allele CA425359837.